The following is an entry in ClinVar:

ClinVar aggregate classification (germline): Uncertain significance (1 of 4 stars; one submission).

Conditions:
Multiple endocrine neoplasia, type 1 (MEN1). Also called: MEA I; MEN I; WERMER SYNDROME; Endocrine adenomatosis multiple; MEN 1. Identifiers: Orphanet 652, MedGen C0025267, MeSH D018761, MONDO:0007540, OMIM 131100.

Submission:

Labcorp Genetics (formerly Invitae), Labcorp
Classification: Uncertain significance for Multiple endocrine neoplasia, type 1. Last evaluated: 2022-10-06. Review status: criteria provided, single submitter. Criteria: Invitae Variant Classification Sherloc (09022015). Collection method: clinical testing. Allele origin: germline.
Comment: In summary, the available evidence is currently insufficient to determine the role of this variant in disease. Therefore, it has been classified as a Variant of Uncertain Significance. Advanced modeling of protein sequence and biophysical properties (such as structural, functional, and spatial information, amino acid conservation, physicochemical variation, residue mobility, and thermodynamic stability) performed at Invitae indicates that this missense variant is expected to disrupt MEN1 protein function. This variant has not been reported in the literature in individuals affected with MEN1-related conditions. This variant is not present in population databases (gnomAD no frequency). This sequence change replaces alanine, which is neutral and non-polar, with threonine, which is neutral and polar, at codon 574 of the MEN1 protein (p.Ala574Thr).

NM_001370259.2(MEN1):c.1720G>A (p.Ala574Thr)

Gene: MEN1 (menin 1; minus strand). Cytogenetic location: 11q13.1.
Variant type: single nucleotide variant.
Coding change: c.1720G>A on transcript NM_001370259.2 (MANE Select); coding-DNA position 1720, G replaced by A.
Protein change: p.Ala574Thr; replaces alanine 574 with threonine.
Molecular consequence: missense variant.
Genome position (GRCh38, 1-based): chr11:64,804,447, C>T on the plus strand (G>A on the coding strand, the complement: MEN1 is on the minus strand). VCF-style: chr11-64804447-C-T. GRCh37 (hg19) VCF-style: chr11-64571919-C-T.
Other names: c.1735G>A, p.Ala579Thr (NM_000244.4, NM_130800.3, NM_130801.3 and 4 more transcripts); c.1846G>A, p.Ala616Thr (NM_001370251.2, NM_001407142.1, NM_001407143.1 and 1 more transcripts); c.1720G>A, p.Ala574Thr (NM_001370260.2, NM_001370261.2, NM_130799.3 and 2 more transcripts); c.1615G>A, p.Ala539Thr (NM_001370262.2, NM_001370263.2, NM_001407148.1 and 1 more transcripts); c.1741G>A, p.Ala581Thr (NM_001407151.1); c.1555G>A, p.Ala519Thr (NM_001407152.1); c.1861G>A, p.Ala621Thr (NM_001407150.1); short protein forms A519T, A539T, A574T, A579T, A581T, A616T, A621T.
Identifiers: ClinVar variation 1721076 (VCV001721076.5), dbSNP rs2136079417, ClinGen allele CA381177582.